The following is an entry in ClinVar:

NM_006517.5(SLC16A2):c.128C>A (p.Pro43His)

Gene: SLC16A2 (solute carrier family 16 member 2; plus strand). Cytogenetic location: Xq13.2.
Variant type: single nucleotide variant.
Coding change: c.128C>A on transcript NM_006517.5 (MANE Select); coding-DNA position 128, C replaced by A.
Protein change: p.Pro43His; replaces proline 43 with histidine.
Molecular consequence: missense variant.
Genome position (GRCh38, 1-based): chrX:74,421,765, C>A. VCF-style: chrX-74421765-C-A. GRCh37 (hg19) VCF-style: chrX-73641600-C-A.
Other names: short protein forms P43H.
Identifiers: ClinVar variation 5039690 (VCV005039690.1).
Genomic context (GRCh38, chrX:74,421,765, plus strand): 5'-AGGAGCCGGTGGGTAGCCCAGAGCCGGAGTCTGAGCCGGAGCCTGAGCCCGAGCCCGAGC[C>A]CGTGCCAGTGCCCCCGCCCGAGCCCCAGCCGGAGCCCCAGCCCCTACCGGACCCCGCACC-3'
Protein context (NP_006508.2, residues 33-53): SEPEPEPEPE[Pro43His]VPVPPPEPQP

ClinVar aggregate classification (germline): Likely benign (1 of 4 stars; one submission).

gnomAD v4.1: 5 of 1,141,365 alleles (0.00044%); highest among the groups gnomAD compares: Non-Finnish European, 0.00047%; no homozygotes.

Submission:

CeGaT Center for Human Genetics Tuebingen
Classification: Likely benign. Last evaluated: 2026-07-01. Review status: criteria provided, single submitter. Criteria: CeGaT Center For Human Genetics Tuebingen Variant Classification Criteria Version 2. Collection method: clinical testing. Allele origin: germline. Affected: yes. Observed: 1 variant allele.
Comment: SLC16A2: BS2